The following is an entry in ClinVar:

NM_001130438.3(SPTAN1):c.491G>A (p.Trp164Ter)

Gene: SPTAN1 (spectrin alpha, non-erythrocytic 1; plus strand). Cytogenetic location: 9q34.11.
Variant type: single nucleotide variant.
Coding change: c.491G>A on transcript NM_001130438.3 (MANE Select); coding-DNA position 491, G replaced by A.
Protein change: p.Trp164Ter; replaces tryptophan 164 with a stop codon.
Molecular consequence: nonsense.
Genome position (GRCh38, 1-based): chr9:128,574,802, G>A. VCF-style: chr9-128574802-G-A. GRCh37 (hg19) VCF-style: chr9-131337081-G-A.
Other names: c.491G>A, p.Trp164Ter (NM_001195532.2, NM_001363759.2, NM_001363765.2 and 10 more transcripts); c.527G>A, p.Trp176Ter (NM_001375312.2, NM_001375318.1, NM_001438440.1); short protein forms W164*, W176*.
Identifiers: ClinVar variation 4529612 (VCV004529612.1).

ClinVar aggregate classification (germline): Uncertain significance (1 of 4 stars; one submission).

gnomAD v4.1: 1 of 1,613,920 alleles (0.000062%); highest among the groups gnomAD compares: Non-Finnish European, 0.000085%; no homozygotes.

Submission:

GeneDx
Classification: Uncertain significance. Last evaluated: 2025-05-15. Review status: criteria provided, single submitter. Criteria: GeneDx Variant Classification Process June 2021. Collection method: clinical testing. Allele origin: germline. Affected: yes.
Comment: Nonsense variant predicted to result in protein truncation or nonsense mediated decay in a gene for which loss of function is a known mechanism of disease; Has not been previously published as pathogenic or benign to our knowledge